The following is an entry in ClinVar:

NM_004093.4(EFNB2):c.780G>A (p.Ser260=)

Genes: EFNB2 (ephrin B2; minus strand), LOC126861841 (CDK7 strongly-dependent group 2 enhancer GRCh37_chr13:107145476-107146675; plus strand). Cytogenetic location: 13q33.3.
Variant type: single nucleotide variant.
Coding change: c.780G>A on transcript NM_004093.4 (MANE Select); coding-DNA position 780, G replaced by A.
Protein change: p.Ser260=; no amino-acid change (serine 260 retained).
Molecular consequence: synonymous variant.
Genome position (GRCh38, 1-based): chr13:106,493,262, C>T on the plus strand (G>A on the coding strand, the complement: EFNB2 is on the minus strand). VCF-style: chr13-106493262-C-T. GRCh37 (hg19) VCF-style: chr13-107145610-C-T.
Other names: c.687G>A, p.Ser229= (NM_001372056.1); c.666G>A, p.Ser222= (NM_001372057.1).
Identifiers: ClinVar variation 3352657 (VCV003352657.1).

ClinVar aggregate classification (germline): Benign (0 of 4 stars; one submission).

Conditions:
EFNB2-related disorder. Also called: EFNB2-related condition.

gnomAD v4.1: 34,918 of 1,614,152 alleles (2.2%); highest among the groups gnomAD compares: Non-Finnish European, 2.6%; 429 homozygotes.

Submission:

PreventionGenetics, part of Exact Sciences
Classification: Benign for EFNB2-related condition. Last evaluated: 2024-09-21. Review status: no assertion criteria provided. Collection method: clinical testing. Allele origin: germline.
Comment: This variant is classified as benign based on ACMG/AMP sequence variant interpretation guidelines (Richards et al. 2015 PMID: 25741868, with internal and published modifications).